The following is an entry in ClinVar:

ClinVar aggregate classification (germline): Uncertain significance (1 of 4 stars; one submission).

gnomAD v4.1: 1 of 1,612,938 alleles (0.000062%); highest among the groups gnomAD compares: Non-Finnish European, 0.000085%; no homozygotes.

Submission:

Labcorp Genetics (formerly Invitae), Labcorp
Classification: Uncertain significance. Last evaluated: 2025-12-08. Review status: criteria provided, single submitter. Criteria: Invitae Variant Classification Sherloc (09022015). Collection method: clinical testing. Allele origin: germline.
Comment: This sequence change replaces leucine, which is neutral and non-polar, with valine, which is neutral and non-polar, at codon 599 of the AP3D1 protein (p.Leu599Val). This variant is not present in population databases (gnomAD no frequency). This variant has not been reported in the literature in individuals affected with AP3D1-related conditions. ClinVar contains an entry for this variant (Variation ID: 2818510). An algorithm developed to predict the effect of missense changes on protein structure and function (PolyPhen-2) suggests that this variant is likely to be disruptive. In summary, the available evidence is currently insufficient to determine the role of this variant in disease. Therefore, it has been classified as a Variant of Uncertain Significance.

NM_001261826.3(AP3D1):c.1795C>G (p.Leu599Val)

Gene: AP3D1 (adaptor related protein complex 3 subunit delta 1; minus strand). Cytogenetic location: 19p13.3.
Variant type: single nucleotide variant.
Coding change: c.1795C>G on transcript NM_001261826.3 (MANE Select); coding-DNA position 1795, C replaced by G.
Protein change: p.Leu599Val; replaces leucine 599 with valine.
Molecular consequence: missense variant.
Genome position (GRCh38, 1-based): chr19:2,117,286, G>C on the plus strand (C>G on the coding strand, the complement: AP3D1 is on the minus strand). VCF-style: chr19-2117286-G-C. GRCh37 (hg19) VCF-style: chr19-2117285-G-C.
Other names: c.1795C>G, p.Leu599Val (NM_001374799.1, NM_003938.8); short protein forms L599V.
Identifiers: ClinVar variation 2818510 (VCV002818510.3), dbSNP rs1371701005, ClinGen allele CA403219616.